The following is an entry in ClinVar:

ClinVar aggregate classification (germline): Uncertain significance (1 of 4 stars; one submission).

Conditions:
PLXNA4-related disorder. Also called: PLXNA4-related condition.

gnomAD v4.1: 1 of 1,577,408 alleles (0.000063%); highest among the groups gnomAD compares: Non-Finnish European, 0.000086%; no homozygotes.

Submission:

PreventionGenetics, part of Exact Sciences
Classification: Uncertain significance for PLXNA4-related condition. Last evaluated: 2024-12-30. Review status: criteria provided, single submitter. Criteria: ACMG Guidelines, 2015. Collection method: clinical testing. Allele origin: germline.
Comment: The PLXNA4 c.2135T>G variant is predicted to result in the amino acid substitution p.Val712Gly. To our knowledge, this variant has not been reported in the literature or in a large population database, indicating this variant is rare. At this time, the clinical significance of this variant is uncertain due to the absence of conclusive functional and genetic evidence.

NM_020911.2(PLXNA4):c.2135T>G (p.Val712Gly)

Gene: PLXNA4 (plexin A4; minus strand). Cytogenetic location: 7q32.3.
Variant type: single nucleotide variant.
Coding change: c.2135T>G on transcript NM_020911.2 (MANE Select); coding-DNA position 2135, T replaced by G.
Protein change: p.Val712Gly; replaces valine 712 with glycine.
Molecular consequence: missense variant.
Genome position (GRCh38, 1-based): chr7:132,211,106, A>C on the plus strand (T>G on the coding strand, the complement: PLXNA4 is on the minus strand). VCF-style: chr7-132211106-A-C. GRCh37 (hg19) VCF-style: chr7-131895865-A-C.
Other names: c.2135T>G, p.Val712Gly (NM_001393897.1); short protein forms V712G.
Identifiers: ClinVar variation 3347228 (VCV003347228.2).